The following is an entry in ClinVar:

ClinVar aggregate classification (germline): Pathogenic (1 of 4 stars; one submission).

Submission:

Labcorp Genetics (formerly Invitae), Labcorp
Classification: Pathogenic. Last evaluated: 2021-08-03. Review status: criteria provided, single submitter. Criteria: Invitae Variant Classification Sherloc (09022015). Collection method: clinical testing. Allele origin: germline.
Comment: For these reasons, this variant has been classified as Pathogenic. This variant has not been reported in the literature in individuals affected with COL4A4-related conditions. This variant is not present in population databases (ExAC no frequency). This sequence change creates a premature translational stop signal (p.Trp2*) in the COL4A4 gene. It is expected to result in an absent or disrupted protein product. Loss-of-function variants in COL4A4 are known to be pathogenic (PMID: 21196518, 24854265, 25307543).

Literature cited by the submitters: PubMed 21196518; PubMed 24854265; PubMed 25307543.

NM_000092.5(COL4A4):c.6G>A (p.Trp2Ter)

Gene: COL4A4 (collagen type IV alpha 4 chain; minus strand). Cytogenetic location: 2q36.3.
Variant type: single nucleotide variant.
Coding change: c.6G>A on transcript NM_000092.5 (MANE Select); coding-DNA position 6, G replaced by A.
Protein change: p.Trp2Ter; replaces tryptophan 2 with a stop codon.
Molecular consequence: nonsense.
Genome position (GRCh38, 1-based): chr2:227,147,478, C>T on the plus strand (G>A on the coding strand, the complement: COL4A4 is on the minus strand). VCF-style: chr2-227147478-C-T. GRCh37 (hg19) VCF-style: chr2-228012194-C-T.
Other names: short protein forms W2*.
Identifiers: ClinVar variation 1452611 (VCV001452611.6), dbSNP rs1382380215, ClinGen allele CA350842881.